The following is an entry in ClinVar:

ClinVar aggregate classification (germline): Uncertain significance (1 of 4 stars; one submission).

Conditions:
Mitochondrial complex V (ATP synthase) deficiency, nuclear type 2. Also called: Nuclear-Encoded ATPase Deficiency, TMEM70-Related; ENCEPHALOCARDIOMYOPATHY, MITOCHONDRIAL, NEONATAL, DUE TO ATP SYNTHASE DEFICIENCY; MITOCHONDRIAL COMPLEX V (ATP SYNTHASE) DEFICIENCY, TMEM70 TYPE. Identifiers: Orphanet 1194, MedGen C3279699, MONDO:0013546, OMIM 614052.

Submission:

Labcorp Genetics (formerly Invitae), Labcorp
Classification: Uncertain significance for Mitochondrial complex V (ATP synthase) deficiency, nuclear type 2. Last evaluated: 2021-04-22. Review status: criteria provided, single submitter. Criteria: Invitae Variant Classification Sherloc (09022015). Collection method: clinical testing. Allele origin: germline.
Comment: This variant has not been reported in the literature in individuals with TMEM70-related conditions. This variant, c.59_61del, results in the deletion of 1 amino acid(s) of the TMEM70 protein (p.Arg20del), but otherwise preserves the integrity of the reading frame. This variant is not present in population databases (ExAC no frequency). Experimental studies and prediction algorithms are not available or were not evaluated, and the functional significance of this variant is currently unknown. In summary, the available evidence is currently insufficient to determine the role of this variant in disease. Therefore, it has been classified as a Variant of Uncertain Significance.

NM_017866.6(TMEM70):c.56GGA[1] (p.Arg20del)

Gene: TMEM70 (transmembrane protein 70; plus strand). Cytogenetic location: 8q21.11.
Variant type: Microsatellite.
Coding change: c.56GGA[1] on transcript NM_017866.6 (MANE Select); one copy of the 3-base unit GGA starting at c.56; the reference has two copies in a row; one copy, 3 bases deleted.
Protein change: p.Arg20del; deletes arginine 20.
Molecular consequence: inframe deletion. On other transcripts: non-coding transcript variant (1).
Genome position (GRCh38, 1-based): chr8:73,976,340-73,976,342, GGA deleted; deleting any 3 consecutive bases within chr8:73,976,336-73,976,342 gives the same sequence; the position shown is the placement nearest the transcript's 3' end. VCF-style (leftmost placement, unchanged base first): chr8-73976335-AAGG-A. GRCh37 (hg19) VCF-style: chr8-74888570-AAGG-A.
Other names: c.56GGA[1], p.Arg20del (NM_001040613.3); short protein forms R20del.
Identifiers: ClinVar variation 1389611 (VCV001389611.7), dbSNP rs2131230816, ClinGen allele CA461451461.